The following is an entry in ClinVar:

NM_017654.4(SAMD9):c.4499A>G (p.Gln1500Arg)

Gene: SAMD9 (sterile alpha motif domain containing 9; minus strand). Cytogenetic location: 7q21.2.
Variant type: single nucleotide variant.
Coding change: c.4499A>G on transcript NM_017654.4 (MANE Select); coding-DNA position 4499, A replaced by G.
Protein change: p.Gln1500Arg; replaces glutamine 1500 with arginine.
Molecular consequence: missense variant.
Genome position (GRCh38, 1-based): chr7:93,101,599, T>C on the plus strand (A>G on the coding strand, the complement: SAMD9 is on the minus strand). VCF-style: chr7-93101599-T-C. GRCh37 (hg19) VCF-style: chr7-92730912-T-C.
Other names: c.4499A>G, p.Gln1500Arg (NM_001193307.2); short protein forms Q1500R.
Identifiers: ClinVar variation 3949581 (VCV003949581.1).

ClinVar aggregate classification (germline): Uncertain significance (1 of 4 stars; one submission).

Conditions:
Inborn genetic diseases. Identifiers: MedGen C0950123, MeSH D030342.

Submission:

Ambry Genetics
Classification: Uncertain significance for Inborn genetic diseases. Last evaluated: 2025-04-21. Review status: criteria provided, single submitter. Criteria: Ambry Variant Classification Scheme 2023. Collection method: clinical testing. Allele origin: germline.
Comment: The p.Q1500R variant (also known as c.4499A>G), located in coding exon 1 of the SAMD9 gene, results from an A to G substitution at nucleotide position 4499. The glutamine at codon 1500 is replaced by arginine, an amino acid with highly similar properties. This amino acid position is conserved. In addition, this alteration is predicted to be tolerated by in silico analysis. Based on the available evidence, the clinical significance of this variant remains unclear.